The following is an entry in ClinVar:

ClinVar aggregate classification (germline): Uncertain significance (1 of 4 stars; one submission).

Allele frequency attached by ClinVar (database versions not stated): TOPMed below 0.00001; gnomAD exomes below 0.00001.
gnomAD v4.1: 1 of 1,613,506 alleles (0.000062%); highest among the groups gnomAD compares: Non-Finnish European, 0.000085%; no homozygotes.

Submission:

GeneDx
Classification: Uncertain significance. Last evaluated: 2026-02-02. Review status: criteria provided, single submitter. Criteria: GeneDx Variant Classification Process June 2021. Collection method: clinical testing. Allele origin: germline. Affected: yes.
Comment: Not observed at significant frequency in large population cohorts (gnomAD); In silico analysis suggests that this missense variant does not alter protein structure/function; In silico analysis suggests this variant may impact gene splicing. In the absence of RNA/functional studies, the actual effect of this sequence change is unknown.; Has not been previously published as pathogenic or benign to our knowledge

NM_080911.3(UNG):c.339G>T (p.Lys113Asn)

Gene: UNG (uracil DNA glycosylase; plus strand). Cytogenetic location: 12q24.11.
Variant type: single nucleotide variant.
Coding change: c.339G>T on transcript NM_080911.3 (MANE Select); coding-DNA position 339, G replaced by T.
Protein change: p.Lys113Asn; replaces lysine 113 with asparagine.
Molecular consequence: missense variant.
Genome position (GRCh38, 1-based): chr12:109,098,638, G>T. VCF-style: chr12-109098638-G-T. GRCh37 (hg19) VCF-style: chr12-109536443-G-T.
Other names: c.312G>T, p.Lys104Asn (NM_003362.4); short protein forms K104N, K113N.
Identifiers: ClinVar variation 2507339 (VCV002507339.2), dbSNP rs2042153116, ClinGen allele CA386470283.